The following is an entry in ClinVar:

NM_005677.4:c.(814+1_815-1)_(954+1_955-1)del

Gene: COLQ (collagen like tail subunit of asymmetric acetylcholinesterase; minus strand).
Variant type: Deletion.
Other names: c.(814+1_815-1)_(954+1_955-1)del (NM_005677.4).
Identifiers: ClinVar variation 1299712 (VCV001299712.2).

ClinVar aggregate classification (germline): Pathogenic (0 of 4 stars; one submission).

Conditions:
Congenital myasthenic syndrome 5. Identifiers: Orphanet 590, MedGen C1864233, MONDO:0011281, OMIM 603034.

Submission:

Department of Medical Genetics, National Institute of Health
Classification: Pathogenic for Congenital myasthenic syndrome 5. Last evaluated: 2021-10-04. Review status: no assertion criteria provided. Collection method: clinical testing. Allele origin: germline. Inheritance: Autosomal recessive inheritance. Affected: yes. Observed: 1 homozygote.
Comment: It was also not found in an in-house database of 112 Moroccan CES data results (personal data). Mutations in COLQ gene was responsible for Acetylcholinesterase (AChE) deficiency or Congenital Myasthenic Syndrome type-5 (CMS5; MIM #603034).